The following is an entry in ClinVar:

ClinVar aggregate classification (germline): Uncertain significance (1 of 4 stars; one submission).

Conditions:
Combined deficiency of sialidase AND beta galactosidase (GSL). Also called: GOLDBERG SYNDROME; NEURAMINIDASE DEFICIENCY WITH BETA-GALACTOSIDASE DEFICIENCY; NEURAMINIDASE/BETA-GALACTOSIDASE EXPRESSION; PPCA DEFICIENCY; PROTECTIVE PROTEIN/CATHEPSIN A DEFICIENCY; CATHEPSIN A DEFICIENCY. Identifiers: Orphanet 351, MedGen C0268233, MONDO:0009737, OMIM 256540.

Submission:

Labcorp Genetics (formerly Invitae), Labcorp
Classification: Uncertain significance for Combined deficiency of sialidase AND beta galactosidase. Last evaluated: 2019-11-14. Review status: criteria provided, single submitter. Criteria: Invitae Variant Classification Sherloc (09022015). Collection method: clinical testing. Allele origin: germline.
Comment: This variant has not been reported in the literature in individuals with CTSA-related conditions. This variant is not present in population databases (ExAC no frequency). This sequence change replaces lysine with threonine at codon 366 of the CTSA protein (p.Lys366Thr). The lysine residue is moderately conserved and there is a moderate physicochemical difference between lysine and threonine. Algorithms developed to predict the effect of missense changes on protein structure and function (SIFT, PolyPhen-2, Align-GVGD) all suggest that this variant is likely to be tolerated, but these predictions have not been confirmed by published functional studies and their clinical significance is uncertain. In summary, the available evidence is currently insufficient to determine the role of this variant in disease. Therefore, it has been classified as a Variant of Uncertain Significance.

NM_000308.4(CTSA):c.1043A>C (p.Lys348Thr)

Gene: CTSA (cathepsin A; plus strand). Cytogenetic location: 20q13.12.
Variant type: single nucleotide variant.
Coding change: c.1043A>C on transcript NM_000308.4 (MANE Select); coding-DNA position 1043, A replaced by C.
Protein change: p.Lys348Thr; replaces lysine 348 with threonine.
Molecular consequence: missense variant. On other transcripts: non-coding transcript variant (1).
Genome position (GRCh38, 1-based): chr20:45,895,088, A>C. VCF-style: chr20-45895088-A-C. GRCh37 (hg19) VCF-style: chr20-44523727-A-C.
Other names: c.1043A>C, p.Lys348Thr (NM_001127695.3); c.992A>C, p.Lys331Thr (NM_001167594.3); short protein forms K348T, K331T.
Identifiers: ClinVar variation 959980 (VCV000959980.8), dbSNP rs780430995, ClinGen allele CA409252801.
Genomic context (GRCh38, chr20:45,895,088, plus strand): 5'-ACCCCCCCTGCACCAACACAACAGCTGCTTCCACCTACCTCAACAACCCGTACGTGCGGA[A>C]GGCCCTCAACATCCCGGAGCAGCTGCCACAATGGGACATGTGCAAGTGAGGTTCCGTGGC-3'
Protein context (NP_000299.3, residues 338-358): STYLNNPYVR[Lys348Thr]ALNIPEQLPQ